The following is an entry in ClinVar:

NM_033409.4(SLC52A3):c.456C>T (p.Pro152=)

Gene: SLC52A3 (solute carrier family 52 member 3; minus strand). Cytogenetic location: 20p13.
Variant type: single nucleotide variant.
Coding change: c.456C>T on transcript NM_033409.4 (MANE Select); coding-DNA position 456, C replaced by T.
Protein change: p.Pro152=; no amino-acid change (proline 152 retained).
Molecular consequence: synonymous variant.
Genome position (GRCh38, 1-based): chr20:765,319, G>A on the plus strand (C>T on the coding strand, the complement: SLC52A3 is on the minus strand). VCF-style: chr20-765319-G-A. GRCh37 (hg19) VCF-style: chr20-745963-G-A.
Other names: p.Pro152=; c.456C>T, p.Pro152= (NM_001370085.1, NM_001370086.1).
Identifiers: ClinVar variation 262234 (VCV000262234.18), dbSNP rs3746807, ClinGen allele CA9724776.
Genomic context (GRCh38, chr20:765,319, plus strand): 5'-TATCTCAGTGACATTGACGCAGGTAGTGAGACCGGAGCCCTGGGCAAGAGCCACCAGGGC[G>A]GGCAAGAGGCCGCTGAGTCCTTCACCCACAAAGAAGGTGGTGAGGTAGTAGGTGGGCAGC-3'
Protein context (NP_212134.3, residues 142-162): FVGEGLSGLL[Pro152=]ALVALAQGSG

ClinVar aggregate classification (germline): Benign. Review status: criteria provided, multiple submitters, no conflicts (2 of 4 stars). 6 submissions from 6 submitters: Benign (6). Last evaluated 2026-02-03.

Conditions:
Brown-Vialetto-van Laere syndrome 1. Also called: BULBAR PALSY, PROGRESSIVE, WITH SENSORINEURAL DEAFNESS; PONTOBULBAR PALSY WITH DEAFNESS; BROWN-VIALETTO-VAN LAERE SYNDROME 1, MILD. Identifiers: Orphanet 572550, Orphanet 97229, MedGen C0796274, MONDO:0024537, OMIM 211530.

Allele frequency attached by ClinVar (database versions not stated): TOPMed 0.10242; gnomAD exomes 0.10592 and 0.09570; ESP Exome Variant Server 0.10626; 1000 Genomes Project 0.09804; ExAC 0.09675; 1000 Genomes Project 30x 0.09681; gnomAD 0.10096 and 0.10172.
gnomAD v4.1: 169,809 of 1,613,980 alleles (11%); highest among the groups gnomAD compares: East Asian, 21%; 9,579 homozygotes.

Submissions (6):

Labcorp Genetics (formerly Invitae), Labcorp
Classification: Benign for Brown-Vialetto-van Laere syndrome 1. Last evaluated: 2026-02-03. Review status: criteria provided, single submitter. Criteria: Invitae Variant Classification Sherloc (09022015). Collection method: clinical testing. Allele origin: germline.

Mayo Clinic Laboratories, Mayo Clinic
Classification: Benign. Last evaluated: 2022-04-26. Review status: criteria provided, single submitter. Criteria: ACMG Guidelines, 2015. Collection method: clinical testing. Allele origin: germline. Observed: 281 variant alleles.

GeneDx
Classification: Benign. Last evaluated: 2018-07-03. Review status: criteria provided, single submitter. Criteria: GeneDx Variant Classification Process June 2021. Collection method: clinical testing. Allele origin: germline. Affected: yes.

Laboratory for Molecular Medicine, Mass General Brigham Personalized Medicine
Classification: Benign. Last evaluated: 2017-08-23. Review status: criteria provided, single submitter. Criteria: LMM Criteria. Collection method: clinical testing. Allele origin: germline. Observed: 52 variant alleles.
Comment: p.Pro152Pro in exon 2 of SLC52A3: This variant is not expected to have clinical significance because it does not alter an amino acid residue, is not located wit hin the splice consensus sequence, and has been identified in 18.19% (1570/8630) of East Asian chromosomes by the Exome Aggregation Consortium (ExAC; dbSNP rs3746807).

Breakthrough Genomics
Classification: Benign. Review status: criteria provided, single submitter. Criteria: ACMG Guidelines, 2015. Collection method: not provided. Allele origin: germline. Inheritance: Autosomal recessive inheritance. Affected: yes.

PreventionGenetics, part of Exact Sciences
Classification: Benign. Review status: criteria provided, single submitter. Criteria: ACMG Guidelines, 2015. Collection method: clinical testing. Allele origin: germline.